The following is an entry in ClinVar:

ClinVar aggregate classification (germline): Uncertain significance (1 of 4 stars; one submission).

Submission:

CeGaT Center for Human Genetics Tuebingen
Classification: Uncertain significance. Last evaluated: 2023-02-01. Review status: criteria provided, single submitter. Criteria: CeGaT Center For Human Genetics Tuebingen Variant Classification Criteria Version 2. Collection method: clinical testing. Allele origin: germline. Affected: yes. Observed: 1 variant allele.
Comment: GABRA2: PM2:Supporting, BP4

NM_000807.4(GABRA2):c.181C>T (p.Leu61=)

Gene: GABRA2 (gamma-aminobutyric acid type A receptor subunit alpha2; minus strand). Cytogenetic location: 4p12.
Variant type: single nucleotide variant.
Coding change: c.181C>T on transcript NM_000807.4 (MANE Select); coding-DNA position 181, C replaced by T.
Protein change: p.Leu61=; no amino-acid change (leucine 61 retained).
Molecular consequence: synonymous variant.
Genome position (GRCh38, 1-based): chr4:46,386,080, G>A on the plus strand (C>T on the coding strand, the complement: GABRA2 is on the minus strand). VCF-style: chr4-46386080-G-A. GRCh37 (hg19) VCF-style: chr4-46388097-G-A.
Other names: c.181C>T, p.Leu61= (NM_001114175.3, NM_001330690.2, NM_001377144.1 and 8 more transcripts); c.84C>T, p.Asp28= (NM_001286827.3, NM_001377152.1, NM_001377153.1 and 1 more transcripts).
Identifiers: ClinVar variation 2654746 (VCV002654746.24), dbSNP rs2476213118, ClinGen allele CA439237812.
Genomic context (GRCh38, chr4:46,386,080, plus strand): 5'-AACTTTTAAAGGCATTATTTTACGAGAGTTTTAAAAGAGGAAAACTATTTTTACCTCCCA[G>A]TCCTGGTCTAAGCCGATTATCGTAACCATCCAGAAGTCTGTCAAGAATTCTCGTAAAGAT-3'
Protein context (NP_000798.2, residues 51-71): DGYDNRLRPG[Leu61=]GDSITEVFTN